The following is an entry in ClinVar:

ClinVar aggregate classification (germline): Benign/Likely benign. Review status: criteria provided, multiple submitters, no conflicts (2 of 4 stars). 7 submissions from 7 submitters: Benign (6); Likely benign (1). Last evaluated 2026-02-03.

Conditions:
Primary ciliary dyskinesia 6. Also called: Primary Ciliary Dyskinesia 6: TXNDC3-Related Primary Ciliary Dyskinesia. Identifiers: Orphanet 244, MedGen C1970506, MONDO:0012571, OMIM 610852.
Primary ciliary dyskinesia. Also called: Ciliary dyskinesia. Identifiers: Orphanet 244, MedGen C0008780, MONDO:0016575, HP:0012265.

Allele frequency attached by ClinVar (database versions not stated): gnomAD exomes 0.22927 and 0.24110; ExAC 0.23011; 1000 Genomes Project 0.24521; 1000 Genomes Project 30x 0.25234; gnomAD 0.27612 and 0.28270; TOPMed 0.27736; ESP Exome Variant Server 0.28556.

Submissions (7):

Labcorp Genetics (formerly Invitae), Labcorp
Classification: Benign for Primary ciliary dyskinesia 6. Last evaluated: 2026-02-03. Review status: criteria provided, single submitter. Criteria: Invitae Variant Classification Sherloc (09022015). Collection method: clinical testing. Allele origin: germline.

Blueprint Genetics
Classification: Likely benign. Last evaluated: 2024-11-27. Review status: criteria provided, single submitter. Criteria: ACMG Guidelines, 2015. Collection method: clinical testing. Allele origin: germline.

Genome-Nilou Lab
Classification: Benign for Primary ciliary dyskinesia 6. Last evaluated: 2021-05-18. Review status: criteria provided, single submitter. Criteria: ACMG Guidelines, 2015. Collection method: clinical testing. Allele origin: germline. Affected: no.

GeneDx
Classification: Benign. Last evaluated: 2018-11-12. Review status: criteria provided, single submitter. Criteria: GeneDx Variant Classification Process June 2021. Collection method: clinical testing. Allele origin: germline. Affected: yes.

Ambry Genetics
Classification: Benign for Primary ciliary dyskinesia. Last evaluated: 2014-12-10. Review status: criteria provided, single submitter. Criteria: Ambry Variant Classification Scheme 2023. Collection method: clinical testing. Allele origin: germline.

Laboratory for Molecular Medicine, Mass General Brigham Personalized Medicine
Classification: Benign. Last evaluated: 2013-02-21. Review status: criteria provided, single submitter. Criteria: LMM Criteria. Collection method: clinical testing. Allele origin: germline. Observed: 39 variant alleles.
Comment: Arg43Lys in exon 5 of TXNDC3: This variant is not expected to have clinical sign ificance because it has been identified in 36.9% (1624/4406) of African American chromosomes from a broad population by the NHLBI Exome Sequencing Project (dbSNP rs2722372).

PreventionGenetics, part of Exact Sciences
Classification: Benign. Review status: criteria provided, single submitter. Criteria: ACMG Guidelines, 2015. Collection method: clinical testing. Allele origin: germline.

NM_016616.5(NME8):c.128G>A (p.Arg43Lys)

Gene: NME8 (NME/NM23 family member 8; plus strand). Cytogenetic location: 7p14.1.
Variant type: single nucleotide variant.
Coding change: c.128G>A on transcript NM_016616.5 (MANE Select); coding-DNA position 128, G replaced by A.
Protein change: p.Arg43Lys; replaces arginine 43 with lysine.
Molecular consequence: missense variant.
Genome position (GRCh38, 1-based): chr7:37,850,665, G>A. VCF-style: chr7-37850665-G-A. GRCh37 (hg19) VCF-style: chr7-37890267-G-A.
Other names: short protein forms R43K.
Identifiers: ClinVar variation 164798 (VCV000164798.23), dbSNP rs2722372, ClinGen allele CA177498.
Genomic context (GRCh38, chr7:37,850,665, plus strand): 5'-TTCATAAATATCATCATCTTCTAGTGATTGATGTTTACCAAGCCTGGTGTGGACCTTGCA[G>A]AGCAATGCAACCTTTATTCAGAAAATTGAAAAATGAACTGAACGAAGACGAAATTCTGCA-3'
Protein context (NP_057700.3, residues 33-53): DVYQAWCGPC[Arg43Lys]AMQPLFRKLK